The following is an entry in ClinVar:

ClinVar aggregate classification (germline): Uncertain significance (1 of 4 stars; one submission).

Conditions:
Severe combined immunodeficiency due to IKK2 deficiency. Also called: IMMUNODEFICIENCY 15B; Immunodeficiency 15. Identifiers: Orphanet 397787, MedGen C4747743, MONDO:0014267, OMIM 615592.

Submission:

Labcorp Genetics (formerly Invitae), Labcorp
Classification: Uncertain significance for Severe combined immunodeficiency due to IKK2 deficiency. Last evaluated: 2025-08-13. Review status: criteria provided, single submitter. Criteria: Invitae Variant Classification Sherloc (09022015). Collection method: clinical testing. Allele origin: germline.
Comment: This sequence change falls in intron 11 of the IKBKB gene. It does not directly change the encoded amino acid sequence of the IKBKB protein. This variant is not present in population databases (gnomAD no frequency). This variant has not been reported in the literature in individuals affected with IKBKB-related conditions. Algorithms developed to predict the effect of sequence changes on RNA splicing suggest that this variant may disrupt the consensus splice site. In summary, the available evidence is currently insufficient to determine the role of this variant in disease. Therefore, it has been classified as a Variant of Uncertain Significance.

NM_001556.3(IKBKB):c.1126-11T>C

Gene: IKBKB (inhibitor of nuclear factor kappa B kinase subunit beta; plus strand). Cytogenetic location: 8p11.21.
Variant type: single nucleotide variant.
Coding change: c.1126-11T>C on transcript NM_001556.3 (MANE Select); 11 bases into the intron before coding-DNA position 1126, T replaced by C.
Molecular consequence: intron variant.
Genome position (GRCh38, 1-based): chr8:42,317,646, T>C. VCF-style: chr8-42317646-T-C. GRCh37 (hg19) VCF-style: chr8-42175164-T-C.
Other names: c.949-11T>C (NM_001242778.2); c.934-11T>C (NM_001190720.3).
Identifiers: ClinVar variation 4725377 (VCV004725377.1).